The following is an entry in ClinVar:

NM_033028.5(BBS4):c.988G>A (p.Ala330Thr)

Gene: BBS4 (Bardet-Biedl syndrome 4; plus strand). Cytogenetic location: 15q24.1.
Variant type: single nucleotide variant.
Coding change: c.988G>A on transcript NM_033028.5 (MANE Select); coding-DNA position 988, G replaced by A.
Protein change: p.Ala330Thr; replaces alanine 330 with threonine.
Molecular consequence: missense variant. On other transcripts: non-coding transcript variant (2).
Genome position (GRCh38, 1-based): chr15:72,731,678, G>A. VCF-style: chr15-72731678-G-A. GRCh37 (hg19) VCF-style: chr15-73024019-G-A.
Other names: c.472G>A, p.Ala158Thr (NM_001252678.2); c.919G>A, p.Ala307Thr (NM_001320665.2); short protein forms A307T, A158T, A330T.
Identifiers: ClinVar variation 1367941 (VCV001367941.8), dbSNP rs2065827621, ClinGen allele CA393078989.
Genomic context (GRCh38, chr15:72,731,678, plus strand): 5'-TTGGGCCTTGTCCATTTGACCATGCAGCAGTATGCATCAGCTTTTCATTTTCTCAGTGCG[G>A]CCATCAACTTCCAGCCAAAGATGGGGGAGCTCTACATGCTCTTGGCAGGTAAGAAACATT-3'
Protein context (NP_149017.2, residues 320-340): YASAFHFLSA[Ala330Thr]INFQPKMGEL

ClinVar aggregate classification (germline): Uncertain significance (1 of 4 stars; one submission).

Conditions:
Bardet-Biedl syndrome (BBS). Identifiers: Orphanet 110, MedGen C0752166, MONDO:0015229.

Submission:

Labcorp Genetics (formerly Invitae), Labcorp
Classification: Uncertain significance for Bardet-Biedl syndrome. Last evaluated: 2025-08-18. Review status: criteria provided, single submitter. Criteria: Invitae Variant Classification Sherloc (09022015). Collection method: clinical testing. Allele origin: germline.
Comment: This sequence change replaces alanine, which is neutral and non-polar, with threonine, which is neutral and polar, at codon 330 of the BBS4 protein (p.Ala330Thr). This variant is not present in population databases (gnomAD no frequency). This variant has not been reported in the literature in individuals affected with BBS4-related conditions. ClinVar contains an entry for this variant (Variation ID: 1367941). Invitae Evidence Modeling of protein sequence and biophysical properties (such as structural, functional, and spatial information, amino acid conservation, physicochemical variation, residue mobility, and thermodynamic stability) has been performed for this missense variant. However, the output from this modeling did not meet the statistical confidence thresholds required to predict the impact of this variant on BBS4 protein function. In summary, the available evidence is currently insufficient to determine the role of this variant in disease. Therefore, it has been classified as a Variant of Uncertain Significance.